The following is an entry in ClinVar:

ClinVar aggregate classification (germline): Pathogenic (0 of 4 stars; one submission).

Conditions:
Charcot-Marie-Tooth disease type 4C (CMT4C). Also called: Charcot-Marie-Tooth Neuropathy Type 4C (CMT4C); CHARCOT-MARIE-TOOTH DISEASE, DEMYELINATING, AUTOSOMAL RECESSIVE, TYPE 4C; SH3TC2-Related Hereditary Motor and Sensory Neuropathy; CHARCOT-MARIE-TOOTH DISEASE, DEMYELINATING, TYPE 4C; CMT 4C. Identifiers: Orphanet 99949, MedGen C1866636, MONDO:0011113, OMIM 601596.

Submission:

Institute of Human Genetics, Cologne University
Classification: Pathogenic for Charcot-Marie-Tooth disease type 4C. Review status: no assertion criteria provided. Collection method: clinical testing. Allele origin: germline. Inheritance: Autosomal recessive inheritance. Affected: yes.

NM_024577.4(SH3TC2):c.58G>T (p.Glu20Ter)

Gene: SH3TC2 (SH3 domain and tetratricopeptide repeats 2; minus strand). Cytogenetic location: 5q32.
Variant type: single nucleotide variant.
Coding change: c.58G>T on transcript NM_024577.4 (MANE Select); coding-DNA position 58, G replaced by T.
Protein change: p.Glu20Ter; replaces glutamic acid 20 with a stop codon.
Molecular consequence: nonsense.
Genome position (GRCh38, 1-based): chr5:149,052,235, C>A on the plus strand (G>T on the coding strand, the complement: SH3TC2 is on the minus strand). VCF-style: chr5-149052235-C-A. GRCh37 (hg19) VCF-style: chr5-148431798-C-A.
Other names: short protein forms E20*.
Identifiers: ClinVar variation 637956 (VCV000637956.1), dbSNP rs1580917130, ClinGen allele CA361681864.
Genomic context (GRCh38, chr5:149,052,235, plus strand): 5'-CCTTGTATTCAGATGAGGCTATACACTCACTCGATACAGTTGGATCCTTGGAAGGAGTTT[C>A]TTTACCTGGAGAAGATGAAATAAAAGGTCATCTTAAGAGTGTAAGGAAGTTGAAAGCAAG-3'